The following is an entry in ClinVar:

ClinVar aggregate classification (germline): Benign/Likely benign. Review status: criteria provided, multiple submitters, no conflicts (2 of 4 stars). 6 submissions from 6 submitters: Benign (1); Likely benign (4). 1 of the submissions does not count toward it. Last evaluated 2026-01-07.

Conditions:
Tuberous sclerosis syndrome (TSC). Also called: Tuberous Sclerosis Complex; Tuberous sclerosis. Identifiers: Orphanet 805, MedGen C0041341, MONDO:0001734.
Tuberous sclerosis 2 (TSC2). Identifiers: Orphanet 805, MedGen C1860707, MONDO:0013199, OMIM 613254.
Isolated focal cortical dysplasia type II (FCORD2). Also called: CORTICAL DYSPLASIA OF TAYLOR; Focal cortical dysplasia type II. Identifiers: Orphanet 268994, MedGen C1846385, MONDO:0011818, OMIM 607341, HP:0032051.
Lymphangiomyomatosis (LAM). Also called: Lymphangioleiomyomatosis; Lymphangioleiomyomatosis, somatic. Identifiers: Orphanet 538, MedGen C0751674, MONDO:0011705, OMIM 606690.

Submissions (6):

Labcorp Genetics (formerly Invitae), Labcorp
Classification: Likely benign for Tuberous sclerosis 2. Last evaluated: 2026-01-07. Review status: criteria provided, single submitter. Criteria: Invitae Variant Classification Sherloc (09022015). Collection method: clinical testing. Allele origin: germline.

Color Diagnostics, LLC DBA Color Health
Classification: Likely benign for Tuberous sclerosis syndrome. Last evaluated: 2025-05-30. Review status: criteria provided, single submitter. Criteria: ACMG Guidelines, 2015. Collection method: clinical testing. Allele origin: germline.

Fulgent Genetics
Classification: Likely benign for Lymphangiomyomatosis; Isolated focal cortical dysplasia type II; Tuberous sclerosis 2. Last evaluated: 2024-02-20. Review status: criteria provided, single submitter. Criteria: ACMG Guidelines, 2015. Collection method: clinical testing. Allele origin: germline.

GeneDx
Classification: Likely benign. Last evaluated: 2022-10-21. Review status: criteria provided, single submitter. Criteria: GeneDx Variant Classification Process June 2021. Collection method: clinical testing. Allele origin: germline. Affected: yes.
Comment: See Variant Classification Assertion Criteria.

Genome-Nilou Lab
Classification: Benign for Tuberous sclerosis 2. Last evaluated: 2021-11-07. Review status: criteria provided, single submitter. Criteria: ACMG Guidelines, 2015. Collection method: clinical testing. Allele origin: germline. Affected: no.

Tuberous sclerosis database (TSC2)
No classification provided. Condition: TSC. Review status: no classification provided. Criteria: Tuberous Sclerosis Database Assertion Criteria 2015. Collection method: curation. Allele origin: germline. Affected: yes. Not counted in ClinVar's aggregate classification.

NM_000548.5(TSC2):c.5069-14_5069-12del

Gene: TSC2 (TSC complex subunit 2; plus strand). Cytogenetic location: 16p13.3.
Variant type: Microsatellite.
Coding change: c.5069-14_5069-12del on transcript NM_000548.5 (MANE Select); 14 bases into the intron before coding-DNA position 5069 through 12 bases into the intron before coding-DNA position 5069, 3 bases deleted (CCA; older notation c.5069-14_5069-12delCCA).
Molecular consequence: intron variant.
Genome position (GRCh38, 1-based): chr16:2,088,034-2,088,036, CCA deleted; deleting any 3 consecutive bases within chr16:2,088,030-2,088,036 gives the same sequence; the c. name uses the placement nearest the transcript's 3' end. VCF-style (leftmost placement, unchanged base first): chr16-2088029-GACC-G. GRCh37 (hg19) VCF-style: chr16-2138030-GACC-G.
Other names: c.5000-14_5000-12del (NM_001114382.3); c.4940-14_4940-12del (NM_021055.3, NM_001370405.1); c.4871-14_4871-12del (NM_001363528.2); c.4937-14_4937-12del (NM_001370404.1); c.4868-14_4868-12del (NM_001077183.3); c.4760-14_4760-12del (NM_001318827.2); c.4337-14_4337-12del (NM_001318831.2); c.4724-14_4724-12del (NM_001318829.2); and 1 more.
Identifiers: ClinVar variation 64902 (VCV000064902.18), dbSNP rs397514923, ClinGen allele CA264402.